The following is an entry in ClinVar:

NM_004793.4(LONP1):c.1062+3G>A

Gene: LONP1 (lon peptidase 1, mitochondrial; minus strand). Cytogenetic location: 19p13.3.
Variant type: single nucleotide variant.
Coding change: c.1062+3G>A on transcript NM_004793.4 (MANE Select); 3 bases into the intron after coding-DNA position 1062, G replaced by A.
Molecular consequence: intron variant.
Genome position (GRCh38, 1-based): chr19:5,707,694, C>T on the plus strand (G>A on the coding strand, the complement: LONP1 is on the minus strand). VCF-style: chr19-5707694-C-T. GRCh37 (hg19) VCF-style: chr19-5707705-C-T.
Other names: c.474+3G>A (NM_001276480.1); c.870+3G>A (NM_001276479.2).
Identifiers: ClinVar variation 4695939 (VCV004695939.1).

ClinVar aggregate classification (germline): Uncertain significance (1 of 4 stars; one submission).

gnomAD v4.1: 6 of 1,607,508 alleles (0.00037%); highest among the groups gnomAD compares: South Asian, 0.0055%; no homozygotes.

Submission:

Labcorp Genetics (formerly Invitae), Labcorp
Classification: Uncertain significance. Last evaluated: 2025-07-29. Review status: criteria provided, single submitter. Criteria: Invitae Variant Classification Sherloc (09022015). Collection method: clinical testing. Allele origin: germline.
Comment: This sequence change falls in intron 6 of the LONP1 gene. It does not directly change the encoded amino acid sequence of the LONP1 protein. It affects a nucleotide within the consensus splice site. This variant is present in population databases (rs764886089, gnomAD 0.007%). This variant has not been reported in the literature in individuals affected with LONP1-related conditions. Variants that disrupt the consensus splice site are a relatively common cause of aberrant splicing (PMID: 17576681, 9536098). Algorithms developed to predict the effect of sequence changes on RNA splicing suggest that this variant is not likely to affect RNA splicing. In summary, the available evidence is currently insufficient to determine the role of this variant in disease. Therefore, it has been classified as a Variant of Uncertain Significance.

Literature cited by the submitters: PubMed 17576681; PubMed 9536098.